The following is an entry in ClinVar:

NM_000264.5(PTCH1):c.233G>A (p.Trp78Ter)

Gene: PTCH1 (patched 1; minus strand). Cytogenetic location: 9q22.32.
Variant type: single nucleotide variant.
Coding change: c.233G>A on transcript NM_000264.5 (MANE Select); coding-DNA position 233, G replaced by A.
Protein change: p.Trp78Ter; replaces tryptophan 78 with a stop codon.
Molecular consequence: nonsense. On other transcripts: 5 prime UTR variant (4), non-coding transcript variant (1).
Genome position (GRCh38, 1-based): chr9:95,506,568, C>T on the plus strand (G>A on the coding strand, the complement: PTCH1 is on the minus strand). VCF-style: chr9-95506568-C-T. GRCh37 (hg19) VCF-style: chr9-98268850-C-T.
Other names: c.35G>A, p.Trp12Ter (NM_001083602.3, NM_001354919.2); c.230G>A, p.Trp77Ter (NM_001083603.3); c.-221G>A (NM_001083604.3, NM_001083605.3, NM_001083606.3 and 1 more transcripts); c.233G>A, p.Trp78Ter (NM_001354918.2); short protein forms W12*, W77*, W78*.
Identifiers: ClinVar variation 863310 (VCV000863310.11), dbSNP rs1843665508, ClinGen allele CA374120649.

ClinVar aggregate classification (germline): Pathogenic. Review status: criteria provided, multiple submitters, no conflicts (2 of 4 stars). 2 submissions from 2 submitters: Pathogenic (2). Last evaluated 2025-10-01.

Conditions:
Gorlin syndrome. Also called: Nevoid Basal Cell Carcinoma Syndrome; Basal cell nevus syndrome. Identifiers: Orphanet 377, MedGen C0004779, MONDO:0007187.

Submissions (2):

Women's Health and Genetics/Laboratory Corporation of America, LabCorp
Classification: Pathogenic for Gorlin syndrome. Last evaluated: 2025-10-01. Review status: criteria provided, single submitter. Criteria: LabCorp Variant Classification Summary - May 2015. Collection method: clinical testing. Allele origin: germline.
Comment: Variant summary: PTCH1 c.233G>A (p.Trp78X) results in a premature termination codon, predicted to cause a truncation of the encoded protein or absence of the protein due to nonsense mediated decay, which are commonly known mechanisms for disease. The variant was absent in 249666 control chromosomes. c.233G>A has been observed in at least one individual affected with Nevoid Basal Cell Carcinoma Syndrome (Gorlin Syndrome) (Guo_2013). The report does not provide unequivocal conclusions about association of the variant with Nevoid Basal Cell Carcinoma Syndrome (Gorlin Syndrome). To our knowledge, no experimental evidence demonstrating an impact on protein function has been reported. The following publication have been ascertained in the context of this evaluation (PMID: 24204797). ClinVar contains an entry for this variant (Variation ID: 863310). Based on the evidence outlined above, the variant was classified as pathogenic.

Labcorp Genetics (formerly Invitae), Labcorp
Classification: Pathogenic for Gorlin syndrome. Last evaluated: 2025-06-22. Review status: criteria provided, single submitter. Criteria: Invitae Variant Classification Sherloc (09022015). Collection method: clinical testing. Allele origin: germline.
Comment: This sequence change creates a premature translational stop signal (p.Trp78*) in the PTCH1 gene. It is expected to result in an absent or disrupted protein product. Loss-of-function variants in PTCH1 are known to be pathogenic (PMID: 16301862, 16419085). This variant is not present in population databases (gnomAD no frequency). This premature translational stop signal has been observed in individual(s) with clinical features of basal cell nevus syndrome (PMID: 24204797). ClinVar contains an entry for this variant (Variation ID: 863310). For these reasons, this variant has been classified as Pathogenic.

Literature cited by the submitters: PubMed 24204797 (cited by Women's Health and Genetics/Laboratory Corporation of America, LabCorp and Labcorp Genetics (formerly Invitae), Labcorp); PubMed 16301862 (cited by Labcorp Genetics (formerly Invitae), Labcorp); PubMed 16419085 (cited by Labcorp Genetics (formerly Invitae), Labcorp).